The following is an entry in ClinVar:

NM_002291.3(LAMB1):c.5065-5TA[3]

Gene: LAMB1 (laminin subunit beta 1; minus strand). Cytogenetic location: 7q31.1.
Variant type: Microsatellite.
Coding change: c.5065-5TA[3] on transcript NM_002291.3 (MANE Select); three copies in a row of the 2-base unit TA starting at c.5065-5; the reference has two copies in a row; one copy, 2 bases duplicated.
Molecular consequence: splice acceptor variant.
Genome position (GRCh38, 1-based): chr7:107,924,391-107,924,392, TA duplicated on the plus strand (TA on the coding strand, the reverse complement: LAMB1 is on the minus strand); duplicating any 2 consecutive bases within chr7:107,924,391-107,924,394 gives the same sequence; the position shown is the placement nearest the transcript's 3' end. VCF-style (leftmost placement, unchanged base first): chr7-107924390-C-CTA. GRCh37 (hg19) VCF-style: chr7-107564835-C-CTA.
Identifiers: ClinVar variation 4775422 (VCV004775422.1).
Genomic context (GRCh38, chr7:107,924,390, plus strand): 5'-TTTTTTGGCAATTAAATTTTCTACTTTTTTATACTTTTCATCAAGTTCACCATCTAAAGT[C>CTA]TATAGTTCCACATTTAGACAGAAAGAAGTGGTAATGTTAGTGTCAGTAATTACATTTAAG-3'

ClinVar aggregate classification (germline): Uncertain significance (1 of 4 stars; one submission).

Submission:

Labcorp Genetics (formerly Invitae), Labcorp
Classification: Uncertain significance. Last evaluated: 2026-01-08. Review status: criteria provided, single submitter. Criteria: Invitae Variant Classification Sherloc (09022015). Collection method: clinical testing. Allele origin: germline.
Comment: This sequence change falls in intron 32 of the LAMB1 gene. It does not directly change the encoded amino acid sequence of the LAMB1 protein. This variant is present in population databases (rs780985246, gnomAD 0.01%). This variant has not been reported in the literature in individuals affected with LAMB1-related conditions. Experimental studies and prediction algorithms are not available or were not evaluated, and the effect of this variant on mRNA splicing is currently unknown. In summary, the available evidence is currently insufficient to determine the role of this variant in disease. Therefore, it has been classified as a Variant of Uncertain Significance.